The following is an entry in ClinVar:

NM_025137.4(SPG11):c.6200del (p.Gly2067fs)

Gene: SPG11 (SPG11 vesicle trafficking associated, spatacsin; minus strand). Cytogenetic location: 15q21.1.
Variant type: Deletion.
Coding change: c.6200del on transcript NM_025137.4 (MANE Select); coding-DNA position 6200, one base deleted (G; older notation c.6200delG).
Protein change: p.Gly2067fs; shifts the reading frame from glycine 2067.
Molecular consequence: frameshift variant. On other transcripts: intron variant (1).
Genome position (GRCh38, 1-based): chr15:44,573,552, C deleted on the plus strand (G on the coding strand, the reverse complement: SPG11 is on the minus strand); the first of 3 consecutive C bases (chr15:44,573,552-44,573,554); deleting any one gives the same sequence. VCF-style (leftmost placement, unchanged base first): chr15-44573551-TC-T. GRCh37 (hg19) VCF-style: chr15-44865749-TC-T.
Other names: c.6056del, p.Gly2019fs (NM_001411132.1); c.5867-732del (NM_001160227.2); short protein forms G2067fs, G2019fs.
Identifiers: ClinVar variation 3019107 (VCV003019107.3), dbSNP rs1567131767, ClinGen allele CA618005897.

ClinVar aggregate classification (germline): Pathogenic (1 of 4 stars; one submission).

Conditions:
Hereditary spastic paraplegia 11. Also called: Spastic Paraplegia 11; Nakamura Osame syndrome; Autosomal recessive hereditary spastic paraplegia, mental impairment, and thin corpus callosum; SPASTIC PARAPLEGIA, AUTOSOMAL RECESSIVE, COMPLICATED, WITH THIN CORPUS CALLOSUM; SPASTIC PARAPLEGIA, AUTOSOMAL RECESSIVE, WITH MENTAL IMPAIRMENT AND THIN CORPUS CALLOSUM; Spastic paraplegia, mental retardation and thin corpus callosum. Identifiers: Orphanet 2822, MedGen C1858479, MONDO:0011445, OMIM 604360.

Submission:

Labcorp Genetics (formerly Invitae), Labcorp
Classification: Pathogenic for Hereditary spastic paraplegia 11. Last evaluated: 2023-06-05. Review status: criteria provided, single submitter. Criteria: Invitae Variant Classification Sherloc (09022015). Collection method: clinical testing. Allele origin: germline.
Comment: This sequence change creates a premature translational stop signal (p.Gly2067Glufs*20) in the SPG11 gene. It is expected to result in an absent or disrupted protein product. Loss-of-function variants in SPG11 are known to be pathogenic (PMID: 19105190, 20110243, 22154821, 26556829). This variant is present in population databases (no rsID available, gnomAD 0.006%). This variant has not been reported in the literature in individuals affected with SPG11-related conditions. Algorithms developed to predict the effect of sequence changes on RNA splicing suggest that this variant may disrupt the consensus splice site. For these reasons, this variant has been classified as Pathogenic.

Literature cited by the submitters: PubMed 19105190; PubMed 20110243; PubMed 22154821; PubMed 26556829.